The following is an entry in ClinVar:

ClinVar aggregate classification (germline): Uncertain significance (1 of 4 stars; one submission).

Allele frequency attached by ClinVar (database versions not stated): gnomAD 0.00004 and 0.00005; TOPMed 0.00006; ESP Exome Variant Server 0.00016.
gnomAD v4.1: 77 of 1,614,038 alleles (0.0048%); highest among the groups gnomAD compares: African/African-American, 0.0067%; no homozygotes.

Submission:

Labcorp Genetics (formerly Invitae), Labcorp
Classification: Uncertain significance. Last evaluated: 2025-03-03. Review status: criteria provided, single submitter. Criteria: Invitae Variant Classification Sherloc (09022015). Collection method: clinical testing. Allele origin: germline.
Comment: This sequence change replaces glutamine, which is neutral and polar, with glutamic acid, which is acidic and polar, at codon 1049 of the A2ML1 protein (p.Gln1049Glu). This variant is present in population databases (rs368566164, gnomAD 0.02%). This variant has not been reported in the literature in individuals affected with A2ML1-related conditions. ClinVar contains an entry for this variant (Variation ID: 966511). An algorithm developed to predict the effect of missense changes on protein structure and function (PolyPhen-2) suggests that this variant is likely to be tolerated. In summary, the available evidence is currently insufficient to determine the role of this variant in disease. Therefore, it has been classified as a Variant of Uncertain Significance.

NM_144670.6(A2ML1):c.3145C>G (p.Gln1049Glu)

Gene: A2ML1 (alpha-2-macroglobulin like 1; plus strand). Cytogenetic location: 12p13.31.
Variant type: single nucleotide variant.
Coding change: c.3145C>G on transcript NM_144670.6 (MANE Select); coding-DNA position 3145, C replaced by G.
Protein change: p.Gln1049Glu; replaces glutamine 1049 with glutamic acid.
Molecular consequence: missense variant.
Genome position (GRCh38, 1-based): chr12:8,857,983, C>G. VCF-style: chr12-8857983-C-G. GRCh37 (hg19) VCF-style: chr12-9010579-C-G.
Other names: c.1672C>G, p.Gln558Glu (NM_001282424.3); short protein forms Q1049E, Q558E.
Identifiers: ClinVar variation 966511 (VCV000966511.8), dbSNP rs368566164, ClinGen allele CA6436280.
Genomic context (GRCh38, chr12:8,857,983, plus strand): 5'-TATTTTCCTCTTTACCCATGTAGGCTGACAGCGTTTGTCACAAAATGCTTTGGCCAAGCT[C>G]AGAAATTCATCTTCATTGATCCCAAGAACATCCAGGATGCTCTCAAGTGGATGGCAGGAA-3'
Protein context (NP_653271.3, residues 1039-1059): AFVTKCFGQA[Gln1049Glu]KFIFIDPKNI